The following is an entry in ClinVar:

NM_032898.5(CEP19):c.461G>C (p.Gly154Ala)

Gene: CEP19 (centrosomal protein 19; minus strand). Cytogenetic location: 3q29.
Variant type: single nucleotide variant.
Coding change: c.461G>C on transcript NM_032898.5 (MANE Select); coding-DNA position 461, G replaced by C.
Protein change: p.Gly154Ala; replaces glycine 154 with alanine.
Molecular consequence: missense variant.
Genome position (GRCh38, 1-based): chr3:196,707,582, C>G on the plus strand (G>C on the coding strand, the complement: CEP19 is on the minus strand). VCF-style: chr3-196707582-C-G. GRCh37 (hg19) VCF-style: chr3-196434453-C-G.
Other names: c.356G>C, p.Gly119Ala (NM_001379468.1); c.461G>C, p.Gly154Ala (NM_001379469.1, NM_001379470.1); short protein forms G119A, G154A.
Identifiers: ClinVar variation 2001729 (VCV002001729.4), dbSNP rs2474227329, ClinGen allele CA355633951.

ClinVar aggregate classification (germline): Uncertain significance (1 of 4 stars; one submission).

Submission:

Labcorp Genetics (formerly Invitae), Labcorp
Classification: Uncertain significance. Last evaluated: 2022-06-01. Review status: criteria provided, single submitter. Criteria: Invitae Variant Classification Sherloc (09022015). Collection method: clinical testing. Allele origin: germline.
Comment: In summary, the available evidence is currently insufficient to determine the role of this variant in disease. Therefore, it has been classified as a Variant of Uncertain Significance. Algorithms developed to predict the effect of missense changes on protein structure and function (SIFT, PolyPhen-2, Align-GVGD) all suggest that this variant is likely to be tolerated. This variant has not been reported in the literature in individuals affected with CEP19-related conditions. This variant is not present in population databases (gnomAD no frequency). This sequence change replaces glycine, which is neutral and non-polar, with alanine, which is neutral and non-polar, at codon 158 of the CEP19 protein (p.Gly158Ala).